The following is an entry in ClinVar:

Conditions:
Breast-ovarian cancer, familial, susceptibility to, 1 (BROVCA1). Also called: BRCA1 Hereditary Breast and Ovarian Cancer; OVARIAN CANCER, SUSCEPTIBILITY TO. Identifiers: Orphanet 145, MedGen C2676676, MONDO:0011450, OMIM 604370. Disease mechanism: loss of function.

Submission:

Brotman Baty Institute, University of Washington
No classification provided (evidence only). Condition: Breast-ovarian cancer, familial 1. Review status: no classification provided. Collection method: in vitro. Allele origin: not applicable. Functional consequence: functionally_abnormal.
ClinVar note: "not provided" was previously submitted as the classification for the variant. However, the classification appeared to be based only on an observation of functional data so it was converted to no classification on 2025-07-30.

NM_007294.4(BRCA1):c.5537A>C (p.Gln1846Pro)

Gene: BRCA1 (BRCA1 DNA repair associated; minus strand). Cytogenetic location: 17q21.31.
Variant type: single nucleotide variant.
Coding change: c.5537A>C on transcript NM_007294.4 (MANE Select); coding-DNA position 5537, A replaced by C.
Protein change: p.Gln1846Pro; replaces glutamine 1846 with proline.
Molecular consequence: missense variant. On other transcripts: 3 prime UTR variant (1), non-coding transcript variant (1).
Genome position (GRCh38, 1-based): chr17:43,045,733, T>G on the plus strand (A>C on the coding strand, the complement: BRCA1 is on the minus strand). VCF-style: chr17-43045733-T-G. GRCh37 (hg19) VCF-style: chr17-41197750-T-G.
Other names: c.2219A>C, p.Gln740Pro (NM_001408407.1, NM_001408408.1, NM_001408406.1); c.2216A>C, p.Gln739Pro (NM_001408409.1); c.2153A>C, p.Gln718Pro (NM_001408410.1); c.2150A>C, p.Gln717Pro (NM_001408411.1); c.2147A>C, p.Gln716Pro (NM_001408412.1, NM_001408413.1, NM_001408414.1 and 2 more transcripts); c.2105A>C, p.Gln702Pro (NM_001408427.1, NM_001408428.1, NM_001408429.1 and 4 more transcripts); c.2102A>C, p.Gln701Pro (NM_001408432.1, NM_001408433.1, NM_001408434.1 and 10 more transcripts); c.2099A>C, p.Gln700Pro (NM_001408446.1, NM_001408447.1, NM_001408448.1 and 2 more transcripts); and 74 more; short protein forms Q1799P, Q1846P, Q1867P, Q742P, Q1717P, Q1719P, Q1735P, Q1775P.
Identifiers: ClinVar variation 864985 (VCV000864985.3), dbSNP rs2050867530, ClinGen allele CA10590250.